The following is an entry in ClinVar:

NM_000237.3(LPL):c.464T>C (p.Leu155Pro)

Gene: LPL (lipoprotein lipase; plus strand). Cytogenetic location: 8p21.3.
Variant type: single nucleotide variant.
Coding change: c.464T>C on transcript NM_000237.3 (MANE Select); coding-DNA position 464, T replaced by C.
Protein change: p.Leu155Pro; replaces leucine 155 with proline.
Molecular consequence: missense variant.
Genome position (GRCh38, 1-based): chr8:19,953,344, T>C. VCF-style: chr8-19953344-T-C. GRCh37 (hg19) VCF-style: chr8-19810855-T-C.
Other names: short protein forms L155P.
Identifiers: ClinVar variation 1878280 (VCV001878280.1), dbSNP rs2540104699, ClinGen allele CA370468076.

ClinVar aggregate classification (germline): Uncertain significance (1 of 4 stars; one submission).

Allele frequency attached by ClinVar (database versions not stated): gnomAD exomes below 0.00001.
gnomAD v4.1: 1 of 1,614,016 alleles (0.000062%); highest among the groups gnomAD compares: Non-Finnish European, 0.000085%; no homozygotes.

Submission:

Women's Health and Genetics/Laboratory Corporation of America, LabCorp
Classification: Uncertain significance. Last evaluated: 2022-12-02. Review status: criteria provided, single submitter. Criteria: LabCorp Variant Classification Summary - May 2015. Collection method: clinical testing. Allele origin: germline.
Comment: Variant summary: LPL c.464T>C (p.Leu155Pro) results in a non-conservative amino acid change located in the Lipase domain (IPR013818) of the encoded protein sequence. Five of five in-silico tools predict a damaging effect of the variant on protein function. The variant was absent in 251384 control chromosomes. The available data on variant occurrences in the general population are insufficient to allow any conclusion about variant significance. c.464T>C has been reported in the literature as a compound heterozygous genotype in at-least one individual affected with features of Familial Lipoprotein Lipase Deficiency, mainly severe hypertriglyceridaemia (example, Hooper_2014, Rodrigues_2016). These data do not allow any conclusion about variant significance. To our knowledge, no experimental evidence demonstrating an impact on protein function has been reported. No clinical diagnostic laboratories have submitted clinical-significance assessments for this variant to ClinVar after 2014. Based on the evidence outlined above, the variant was classified as uncertain significance.

Literature cited by the submitters: PubMed 25966443; PubMed 27055971; PubMed 24591733; PubMed 35309119; PubMed 34544385.